The following is an entry in ClinVar:

ClinVar aggregate classification (germline): Benign/Likely benign. Review status: criteria provided, multiple submitters, no conflicts (2 of 4 stars). 5 submissions from 5 submitters: Benign (2); Likely benign (2). 1 of the submissions does not count toward it. Last evaluated 2026-01-22.

Conditions:
RELB-related disorder. Also called: RELB-related condition.

Allele frequency attached by ClinVar (database versions not stated): gnomAD exomes 0.00033 and 0.00081; ExAC 0.00130; ESP Exome Variant Server 0.00342; gnomAD 0.00351 and 0.00365; TOPMed 0.00409; 1000 Genomes Project 0.00699; 1000 Genomes Project 30x 0.00765.
gnomAD v4.1: 1,012 of 1,547,552 alleles (0.065%); highest among the groups gnomAD compares: African/African-American, 1.2%; 5 homozygotes.

Submissions (5):

Women's Health and Genetics/Laboratory Corporation of America, LabCorp
Classification: Likely benign. Last evaluated: 2026-01-22. Review status: criteria provided, single submitter. Criteria: LabCorp Variant Classification Summary - May 2015. Collection method: clinical testing. Allele origin: germline.

Labcorp Genetics (formerly Invitae), Labcorp
Classification: Benign. Last evaluated: 2026-01-14. Review status: criteria provided, single submitter. Criteria: Invitae Variant Classification Sherloc (09022015). Collection method: clinical testing. Allele origin: germline.

Blueprint Genetics
Classification: Likely benign. Last evaluated: 2024-10-08. Review status: criteria provided, single submitter. Criteria: ACMG Guidelines, 2015. Collection method: clinical testing. Allele origin: germline.

Breakthrough Genomics
Classification: Benign. Review status: criteria provided, single submitter. Criteria: ACMG Guidelines, 2015. Collection method: not provided. Allele origin: germline. Inheritance: Autosomal recessive inheritance. Affected: yes.

PreventionGenetics, part of Exact Sciences
Classification: Benign for RELB-related condition. Last evaluated: 2019-09-17. Review status: no assertion criteria provided. Collection method: clinical testing. Allele origin: germline. Not counted in ClinVar's aggregate classification.
Comment: This variant is classified as benign based on ACMG/AMP sequence variant interpretation guidelines (Richards et al. 2015 PMID: 25741868, with internal and published modifications).

NM_006509.4(RELB):c.405G>A (p.Gln135=)

Gene: RELB (RELB proto-oncogene, NF-kB subunit; plus strand). Cytogenetic location: 19q13.32.
Variant type: single nucleotide variant.
Coding change: c.405G>A on transcript NM_006509.4 (MANE Select); coding-DNA position 405, G replaced by A.
Protein change: p.Gln135=; no amino-acid change (glutamine 135 retained).
Molecular consequence: synonymous variant.
Genome position (GRCh38, 1-based): chr19:45,012,177, G>A. VCF-style: chr19-45012177-G-A. GRCh37 (hg19) VCF-style: chr19-45515435-G-A.
Identifiers: ClinVar variation 709499 (VCV000709499.16), dbSNP rs148422079, ClinGen allele CA9507549.
Genomic context (GRCh38, chr19:45,012,177, plus strand): 5'-GTCCCCAGCGCCGGGCCCGGGCCCGCAGCCGCACCTGGTCATCACGGAGCAGCCCAAGCA[G>A]CGCGGCATGCGCTTCCGCTACGAGTGCGAGGGCCGCTCGGCCGGCAGCATCCTTGGGGAG-3'
Protein context (NP_006500.2, residues 125-145): PHLVITEQPK[Gln135=]RGMRFRYECE